The following is an entry in ClinVar:

NM_022168.4(IFIH1):c.1369A>G (p.Ile457Val)

Gene: IFIH1 (interferon induced with helicase C domain 1; minus strand). Cytogenetic location: 2q24.2.
Variant type: single nucleotide variant.
Coding change: c.1369A>G on transcript NM_022168.4 (MANE Select); coding-DNA position 1369, A replaced by G.
Protein change: p.Ile457Val; replaces isoleucine 457 with valine.
Molecular consequence: missense variant.
Genome position (GRCh38, 1-based): chr2:162,281,483, T>C on the plus strand (A>G on the coding strand, the complement: IFIH1 is on the minus strand). VCF-style: chr2-162281483-T-C. GRCh37 (hg19) VCF-style: chr2-163137993-T-C.
Other names: short protein forms I457V.
Identifiers: ClinVar variation 4789318 (VCV004789318.1).

ClinVar aggregate classification (germline): Uncertain significance (1 of 4 stars; one submission).

Conditions:
Singleton-Merten syndrome 1 (SGMRT1). Also called: Widened medullary cavities of bone, aortic calcification, abnormal dentition, and muscular weakness; Syndrome of widened medullary cavities of the metacarpals and phalanges, aortic calcification and abnormal dentition. Identifiers: Orphanet 85191, MedGen C4225427, MONDO:0024535, OMIM 182250.
Aicardi-Goutieres syndrome 7 (AGS7). Identifiers: Orphanet 51, MedGen C3888244, MONDO:0014367, OMIM 615846.

Submission:

Labcorp Genetics (formerly Invitae), Labcorp
Classification: Uncertain significance for Aicardi-Goutieres syndrome 7; Singleton-Merten syndrome 1. Last evaluated: 2025-12-09. Review status: criteria provided, single submitter. Criteria: Invitae Variant Classification Sherloc (09022015). Collection method: clinical testing. Allele origin: germline.
Comment: This sequence change replaces isoleucine, which is neutral and non-polar, with valine, which is neutral and non-polar, at codon 457 of the IFIH1 protein (p.Ile457Val). This variant is not present in population databases (gnomAD no frequency). This variant has not been reported in the literature in individuals affected with IFIH1-related conditions. Invitae Evidence Modeling of protein sequence and biophysical properties (such as structural, functional, and spatial information, amino acid conservation, physicochemical variation, residue mobility, and thermodynamic stability) has been performed for this missense variant. However, the output from this modeling did not meet the statistical confidence thresholds required to predict the impact of this variant on IFIH1 protein function. In summary, the available evidence is currently insufficient to determine the role of this variant in disease. Therefore, it has been classified as a Variant of Uncertain Significance.